The following is an entry in ClinVar:

ClinVar aggregate classification (germline): Uncertain significance (1 of 4 stars; one submission).

Conditions:
Epidermolysis bullosa simplex 5B, with muscular dystrophy (EBS5B). Also called: EPIDERMOLYSIS BULLOSA SIMPLEX AND LIMB-GIRDLE MUSCULAR DYSTROPHY; Epidermolysis bullosa simplex with muscular dystrophy. Identifiers: Orphanet 257, MedGen C2931072, MONDO:0009181, OMIM 226670.
Epidermolysis bullosa simplex with nail dystrophy (EBS5D). Identifiers: MedGen C4225309, MONDO:0014661, OMIM 616487.
Epidermolysis bullosa simplex, Ogna type (EBS5A). Also called: EPIDERMOLYSIS BULLOSA SIMPLEX 5A, OGNA TYPE; Pidermolysis bullosa simplex 5A, Ogna type. Identifiers: Orphanet 79401, MedGen C0432317, MONDO:0007555, OMIM 131950.
Autosomal recessive limb-girdle muscular dystrophy type 2Q (LGMDR17). Also called: MUSCULAR DYSTROPHY, LIMB-GIRDLE, AUTOSOMAL RECESSIVE 17. Identifiers: Orphanet 254361, MedGen C3150989, MONDO:0013390, OMIM 613723.
Epidermolysis bullosa simplex 5C, with pyloric atresia (EBS5C). Also called: Epidermolysis bullosa simplex with pyloric atresia; PLEC-Related Epidermolysis Bullosa with Pyloric Atresia; PLEC1-Related Epidermolysis Bullosa with Pyloric Atresia. Identifiers: Orphanet 158684, MedGen C2677349, MONDO:0012807, OMIM 612138.

Allele frequency attached by ClinVar (database versions not stated): TOPMed 0.00001; gnomAD exomes 0.00002.
gnomAD v4.1: 3 of 1,571,882 alleles (0.00019%); highest among the groups gnomAD compares: Admixed American, 0.0036%; no homozygotes.

Submission:

Labcorp Genetics (formerly Invitae), Labcorp
Classification: Uncertain significance for Autosomal recessive limb-girdle muscular dystrophy type 2Q; Epidermolysis bullosa simplex, Ogna type; Epidermolysis bullosa simplex with nail dystrophy; Epidermolysis bullosa simplex 5C, with pyloric atresia; Epidermolysis bullosa simplex 5B, with muscular dystrophy. Last evaluated: 2025-06-17. Review status: criteria provided, single submitter. Criteria: Invitae Variant Classification Sherloc (09022015). Collection method: clinical testing. Allele origin: germline.
Comment: This sequence change replaces proline, which is neutral and non-polar, with threonine, which is neutral and polar, at codon 3846 of the PLEC protein (p.Pro3846Thr). This variant is present in population databases (no rsID available, gnomAD 0.01%). This variant has not been reported in the literature in individuals affected with PLEC-related conditions. ClinVar contains an entry for this variant (Variation ID: 944374). An algorithm developed to predict the effect of missense changes on protein structure and function (PolyPhen-2) suggests that this variant is likely to be disruptive. In summary, the available evidence is currently insufficient to determine the role of this variant in disease. Therefore, it has been classified as a Variant of Uncertain Significance.

NM_201384.3(PLEC):c.11455C>A (p.Pro3819Thr)

Gene: PLEC (plectin; minus strand). Cytogenetic location: 8q24.3.
Variant type: single nucleotide variant.
Coding change: c.11455C>A on transcript NM_201384.3 (MANE Select); coding-DNA position 11455, C replaced by A.
Protein change: p.Pro3819Thr; replaces proline 3819 with threonine.
Molecular consequence: missense variant.
Genome position (GRCh38, 1-based): chr8:143,918,366, G>T on the plus strand (C>A on the coding strand, the complement: PLEC is on the minus strand). VCF-style: chr8-143918366-G-T. GRCh37 (hg19) VCF-style: chr8-144992534-G-T.
Other names: c.11536C>A, p.Pro3846Thr (NM_000445.5); c.11413C>A, p.Pro3805Thr (NM_201378.4); c.11389C>A, p.Pro3797Thr (NM_201379.3); c.11866C>A, p.Pro3956Thr (NM_201380.4); c.11359C>A, p.Pro3787Thr (NM_201381.3); c.11455C>A, p.Pro3819Thr (NM_201382.4); c.11467C>A, p.Pro3823Thr (NM_201383.3); short protein forms P3797T, P3819T, P3823T, P3846T, P3956T, P3787T, P3805T.
Identifiers: ClinVar variation 944374 (VCV000944374.9), dbSNP rs1479965902, ClinGen allele CA372490617.